The following is an entry in ClinVar:

NM_201378.4(PLEC):c.71-3818G>A

Genes: PLEC (plectin; minus strand), LOC130001342 (ATAC-STARR-seq lymphoblastoid silent region 19633; plus strand). Cytogenetic location: 8q24.3.
Variant type: single nucleotide variant.
Coding change: c.71-3818G>A on transcript NM_201378.4 (MANE Plus Clinical); 3818 bases into the intron before coding-DNA position 71, G replaced by A.
Molecular consequence: intron variant. On other transcripts: synonymous variant (1).
Genome position (GRCh38, 1-based): chr8:143,942,510, C>T on the plus strand (G>A on the coding strand, the complement: PLEC is on the minus strand). VCF-style: chr8-143942510-C-T. GRCh37 (hg19) VCF-style: chr8-145016678-C-T.
Other names: c.6G>A, p.Ser2= (NM_201383.3); c.194-3818G>A (NM_001410941.1, NM_000445.5); c.47-3818G>A (NM_201379.3); c.524-3818G>A (NM_201380.4); c.16+2138G>A (NM_201381.3); c.112+1269G>A (NM_201382.4).
Identifiers: ClinVar variation 3044086 (VCV003044086.4), dbSNP rs782277142, ClinGen allele CA4928754.

ClinVar aggregate classification (germline): Likely benign. Review status: criteria provided, multiple submitters, no conflicts (2 of 4 stars). 3 submissions from 3 submitters: Likely benign (2). 1 of the submissions does not count toward it. Last evaluated 2024-10-21.

Conditions:
PLEC-related disorder. Also called: PLEC-related disorders; PLEC-related condition.

Allele frequency attached by ClinVar (database versions not stated): TOPMed 0.00005; ExAC 0.00017; gnomAD 0.00003.
gnomAD v4.1: 48 of 1,575,186 alleles (0.003%); highest among the groups gnomAD compares: East Asian, 0.048%; no homozygotes.

Submissions (3):

Blueprint Genetics
Classification: Likely benign. Last evaluated: 2024-10-21. Review status: criteria provided, single submitter. Criteria: ACMG Guidelines, 2015. Collection method: clinical testing. Allele origin: germline.

Women's Health and Genetics/Laboratory Corporation of America, LabCorp
Classification: Likely benign. Last evaluated: 2024-07-12. Review status: criteria provided, single submitter. Criteria: LabCorp Variant Classification Summary - May 2015. Collection method: clinical testing. Allele origin: germline.
Comment: Variant summary: PLEC c.194-3818G>A is located at a position not widely known to affect splicing. Consensus agreement among computation tools predict no significant impact on normal splicing. However, these predictions have yet to be confirmed by functional studies. The variant allele was found at a frequency of 0.00012 in 179366 control chromosomes (gnomAD). This frequency is not significantly higher than estimated for a pathogenic variant in PLEC causing PLEC-Related Disorders, allowing no conclusion about variant significance. To our knowledge, no occurrence of c.194-3818G>A in individuals affected with PLEC-Related Disorders and no experimental evidence demonstrating its impact on protein function have been reported. No submitters have cited clinical-significance assessments for this variant to ClinVar. Based on the evidence outlined above, the variant was classified as likely benign.

PreventionGenetics, part of Exact Sciences
Classification: Likely benign for PLEC-related condition. Last evaluated: 2020-10-20. Review status: no assertion criteria provided. Collection method: clinical testing. Allele origin: germline. Not counted in ClinVar's aggregate classification.
Comment: This variant is classified as likely benign based on ACMG/AMP sequence variant interpretation guidelines (Richards et al. 2015 PMID: 25741868, with internal and published modifications).